The following is an entry in ClinVar:

NM_206933.4(USH2A):c.13654T>C (p.Trp4552Arg)

Gene: USH2A (usherin; minus strand). Cytogenetic location: 1q41.
Variant type: single nucleotide variant.
Coding change: c.13654T>C on transcript NM_206933.4 (MANE Select); coding-DNA position 13654, T replaced by C.
Protein change: p.Trp4552Arg; replaces tryptophan 4552 with arginine.
Molecular consequence: missense variant.
Genome position (GRCh38, 1-based): chr1:215,674,257, A>G on the plus strand (T>C on the coding strand, the complement: USH2A is on the minus strand). VCF-style: chr1-215674257-A-G. GRCh37 (hg19) VCF-style: chr1-215847599-A-G.
Other names: short protein forms W4552R.
Identifiers: ClinVar variation 2628064 (VCV002628064.2), dbSNP rs2464894173, ClinGen allele CA344844057.
Genomic context (GRCh38, chr1:215,674,257, plus strand): 5'-GTTCACGGATGAAGAGGGTATAATTGATGATATCACCATTTGTTCTCACTGGAGGGTCCC[A>G]GTTCACTAAGATCTCCTGAGGACCCCTGGCCTGCAATTTTGGAGGTTCCATCCCTGAGGG-3'
Protein context (NP_996816.3, residues 4542-4562): ARGPQEILVN[Trp4552Arg]DPPVRTNGDI

ClinVar aggregate classification (germline): Likely pathogenic (1 of 4 stars; one submission).

Conditions:
Retinitis pigmentosa 39 (RP39). Identifiers: Orphanet 791, MedGen C3151138, MONDO:0013436, OMIM 613809.

Submission:

DBGen Ocular Genomics
Classification: Likely pathogenic for Retinitis pigmentosa 39. Last evaluated: 2023-01-01. Review status: criteria provided, single submitter. Criteria: ACMG Guidelines, 2015. Collection method: clinical testing. Allele origin: inherited. Inheritance: Autosomal recessive inheritance. Affected: yes.
Comment: Class 4 ACMG Guidelines, 2015